The following is an entry in ClinVar:

ClinVar aggregate classification (germline): Conflicting classifications of pathogenicity. Review status: criteria provided, conflicting classifications (1 of 4 stars). 3 submissions from 3 submitters: Likely pathogenic (2); Uncertain significance (1). Last evaluated 2026-04-10.

Conditions:
Hereditary cancer-predisposing syndrome. Also called: Tumor predisposition; Neoplastic Syndromes, Hereditary; Hereditary neoplastic syndrome; Hereditary Cancer Syndrome. Identifiers: Orphanet 140162, MedGen C0027672, MeSH D009386, MONDO:0015356.
Fumarase deficiency (FMRD). Also called: Fumarate Hydratase Deficiency; Fumaric aciduria. Identifiers: Orphanet 24, MedGen C0342770, MONDO:0011730, OMIM 606812.

Allele frequency attached by ClinVar (database versions not stated): TOPMed 0.00002; 1000 Genomes Project 30x 0.00016; 1000 Genomes Project 0.00020; ExAC 0.00007; ESP Exome Variant Server 0.00009.

Submissions (3):

Ambry Genetics
Classification: Uncertain significance for Hereditary cancer-predisposing syndrome. Last evaluated: 2026-04-10. Review status: criteria provided, single submitter. Criteria: Ambry Variant Classification Scheme 2023. Collection method: clinical testing. Allele origin: germline.
Comment: The p.M1? variant (also known as c.2T>C), located in coding exon 1 of the FH gene and results from a T to C substitution at nucleotide position 2. This alters the methionine residue at the initiation codon (ATG). Sequence variations that modify the initiation codon are expected to result in either loss of translation initiation, N-terminal truncation, or cause a shift in the mRNA reading frame; however, there is an in-frame methionine 44 amino acids from the initiation site. Proteins initiated from the first methionine are targeted to the mitochondrion while proteins initiated from the second methionine are targeted to the cytoplasm due to the lack of the mitochondrial targeting sequence encoded between them (Dik E et al. Traffic, 2016 Jul;17:720-32, Magrane M et al., Database (Oxford) 2011; bar009). Data suggest that it is the cytoplasmic protein that conveys the tumor suppressor function of FH (Yogev O et al. PLoS Biol., 2010 Mar;8:e1000328). This nucleotide position is highly conserved in available vertebrate species. Since supporting evidence is limited at this time, the clinical significance of this alteration remains unclear.

Labcorp Genetics (formerly Invitae), Labcorp
Classification: Likely pathogenic. Last evaluated: 2026-01-21. Review status: criteria provided, single submitter. Criteria: Invitae Variant Classification Sherloc (09022015). Collection method: clinical testing. Allele origin: germline.
Comment: This sequence change affects the initiator codon of the FH mRNA. This change may impact translation initiation or efficiency. The next in-frame methionine is located at codon 44. FH has two initiator codons, p.Met1 and p.Met44, which result in two different functional isoforms that localize to the mitochondria and cytosol, respectively (PMID: 21929734, 27037871). Loss-of-function variants in FH are known to be pathogenic (PMID: 11865300, 21398687). Variants affecting the mitochondrial isoform confer risk for fumarate hydratase deficiency, while variants that affect the cytosolic isoform confer risk for FH tumor predisposition syndrome. This variant is present in population databases (rs201261794, gnomAD 0.002%). This variant has not been reported in the literature in individuals affected with FH-related conditions. ClinVar contains an entry for this variant (Variation ID: 822533). This variant disrupts the mitochondria-targeting sequence (MTS) of the FH protein, which is important for protein import into the mitochondria (PMID: 27037871). This suggests that disruption of this region is causative of fumarate hydratase deficiency. In summary, the currently available evidence indicates that the variant is pathogenic, but additional data are needed to prove that conclusively. Therefore, this variant has been classified as Likely Pathogenic for autosomal recessive fumarate hydratase deficiency. However, this variant is not likely to confer risk for autosomal dominant FH tumor predisposition syndrome.

Natera, Inc.
Classification: Likely pathogenic for Fumarase Deficiency. Last evaluated: 2025-01-21. Review status: criteria provided, single submitter. Criteria: Natera Variant Classification Schema (03/2026). Collection method: clinical testing. Allele origin: germline.
Comment: The c.2T>C variant in FH is predicted to result in start loss due to disruption of the initiator methionine. This variant is expected to result in nonsense mediated decay, truncation, or a dysfunctional protein product. This variant is rare in the general population with a frequency below the threshold expected for the associated phenotype(s). Given the available evidence, this variant is classified as Likely Pathogenic.

Literature cited by the submitters: PubMed 27037871 (cited by Ambry Genetics and Labcorp Genetics (formerly Invitae), Labcorp); PubMed 21929734 (cited by Labcorp Genetics (formerly Invitae), Labcorp); PubMed 11865300 (cited by Labcorp Genetics (formerly Invitae), Labcorp); PubMed 21398687 (cited by Labcorp Genetics (formerly Invitae), Labcorp).

NM_000143.4(FH):c.2T>C (p.Met1Thr)

Gene: FH (fumarate hydratase; minus strand). Cytogenetic location: 1q43.
Variant type: single nucleotide variant.
Coding change: c.2T>C on transcript NM_000143.4 (MANE Select); coding-DNA position 2, T replaced by C.
Protein change: p.Met1Thr; changes the start codon (methionine 1).
Molecular consequence: missense variant, initiator codon variant.
Genome position (GRCh38, 1-based): chr1:241,519,721, A>G on the plus strand (T>C on the coding strand, the complement: FH is on the minus strand). VCF-style: chr1-241519721-A-G. GRCh37 (hg19) VCF-style: chr1-241683021-A-G.
Other names: short protein forms M1T.
Identifiers: ClinVar variation 822533 (VCV000822533.17), dbSNP rs201261794, ClinGen allele CA1478786.
Genomic context (GRCh38, chr1:241,519,721, plus strand): 5'-GCTGCGGCTGGAGCCCGCACGAGGGGACGCGAGCGCGCGAGGAGCCGAAGTGCTCGGTAC[A>G]TGGTGCTGAGGGAGCTTGGGTAGAATTTCTGGGCGGCTGTGGCCACGCCTCCACGCCGGT-3'
Protein context (NP_000134.2, residues 1-11): [Met1Thr]YRALRLLARS